The following is an entry in ClinVar:

NM_000059.4(BRCA2):c.530del (p.Pro177fs)

Gene: BRCA2 (BRCA2 DNA repair associated; plus strand). Cytogenetic location: 13q13.1.
Variant type: Deletion.
Coding change: c.530del on transcript NM_000059.4 (MANE Select); coding-DNA position 530, one base deleted (C; older notation c.530delC).
Protein change: p.Pro177fs; shifts the reading frame from proline 177.
Molecular consequence: frameshift variant. On other transcripts: non-coding transcript variant (1).
Genome position (GRCh38, 1-based): chr13:32,326,512, C deleted; the last of 2 consecutive C bases (chr13:32,326,511-32,326,512); deleting either gives the same sequence. VCF-style (leftmost placement, unchanged base first): chr13-32326510-AC-A. GRCh37 (hg19) VCF-style: chr13-32900647-AC-A.
Other names: c.530del, p.Pro177fs (NM_001406719.1, NM_001406720.1, NM_001406721.1 and 1 more transcripts); c.161del, p.Pro54fs (NM_001406722.1); short protein forms P177fs, P54fs.
Identifiers: ClinVar variation 4723953 (VCV004723953.1).

ClinVar aggregate classification (germline): Pathogenic (1 of 4 stars; one submission).

Conditions:
Hereditary breast ovarian cancer syndrome. Also called: Hereditary breast and ovarian cancer syndrome; Hereditary breast and ovarian cancer syndrome (HBOC); Breast and ovarian cancer; BRCA1- and BRCA2-Associated Hereditary Breast and Ovarian Cancer; Hereditary breast and/or ovarian cancer syndrome; Hereditary breast and ovarian cancer. Identifiers: Orphanet 145, MedGen C0677776, MeSH D061325, MONDO:0003582. Disease mechanism: loss of function.

Submission:

Labcorp Genetics (formerly Invitae), Labcorp
Classification: Pathogenic for Hereditary breast ovarian cancer syndrome. Last evaluated: 2025-07-24. Review status: criteria provided, single submitter. Criteria: Invitae Variant Classification Sherloc (09022015). Collection method: clinical testing. Allele origin: germline.
Comment: This sequence change creates a premature translational stop signal (p.Pro177Glnfs*8) in the BRCA2 gene. It is expected to result in an absent or disrupted protein product. Loss-of-function variants in BRCA2 are known to be pathogenic (PMID: 20104584). This variant is not present in population databases (gnomAD no frequency). This variant has not been reported in the literature in individuals affected with BRCA2-related conditions. For these reasons, this variant has been classified as Pathogenic.

Literature cited by the submitters: PubMed 20104584.